The following is an entry in ClinVar:

ClinVar aggregate classification (germline): Uncertain significance (1 of 4 stars; one submission).

Conditions:
Inborn genetic diseases. Identifiers: MedGen C0950123, MeSH D030342.

Submission:

Ambry Genetics
Classification: Uncertain significance for Inborn genetic diseases. Last evaluated: 2026-09-05. Review status: criteria provided, single submitter. Criteria: Ambry Variant Classification Scheme 2023. Collection method: clinical testing. Allele origin: germline.
Comment: The p.L170M variant (also known as c.508C>A), located in coding exon 6 of the DDX41 gene, results from a C to A substitution at nucleotide position 508. The leucine at codon 170 is replaced by methionine, an amino acid with highly similar properties. This amino acid position is conserved. In addition, this alteration is predicted to be tolerated by in silico analysis. Based on the available evidence, the clinical significance of this variant remains unclear.

NM_016222.4(DDX41):c.508C>A (p.Leu170Met)

Gene: DDX41 (DEAD-box helicase 41; minus strand). Cytogenetic location: 5q35.3.
Variant type: single nucleotide variant.
Coding change: c.508C>A on transcript NM_016222.4 (MANE Select); coding-DNA position 508, C replaced by A.
Protein change: p.Leu170Met; replaces leucine 170 with methionine.
Molecular consequence: missense variant.
Genome position (GRCh38, 1-based): chr5:177,515,748, G>T on the plus strand (C>A on the coding strand, the complement: DDX41 is on the minus strand). VCF-style: chr5-177515748-G-T. GRCh37 (hg19) VCF-style: chr5-176942749-G-T.
Other names: c.130C>A, p.Leu44Met (NM_001321732.2, NM_001321830.2); short protein forms L44M, L170M.
Identifiers: ClinVar variation 5035177 (VCV005035177.1).